The following is an entry in ClinVar:

ClinVar aggregate classification (germline): Uncertain significance (1 of 4 stars; one submission).

Conditions:
3-methylglutaconic aciduria, type VIIB (MGCA7B). Also called: CLPB Deficiency; 3-methylglutaconic aciduria with cataracts, neurologic involvement and neutropenia; 3-methylglutaconic aciduria, type VII, with cataracts, neurologic involvement and neutropenia. Identifiers: Orphanet 445038, MedGen C5676893, MONDO:0014561, OMIM 616271.

Allele frequency attached by ClinVar (database versions not stated): gnomAD 0.00001; gnomAD exomes 0.00001; ExAC 0.00002.
gnomAD v4.1: 4 of 1,613,684 alleles (0.00025%); highest among the groups gnomAD compares: Non-Finnish European, 0.00034%; no homozygotes.

Submission:

Labcorp Genetics (formerly Invitae), Labcorp
Classification: Uncertain significance for 3-methylglutaconic aciduria, type VIIB. Last evaluated: 2025-06-03. Review status: criteria provided, single submitter. Criteria: Invitae Variant Classification Sherloc (09022015). Collection method: clinical testing. Allele origin: germline.
Comment: This sequence change replaces isoleucine, which is neutral and non-polar, with threonine, which is neutral and polar, at codon 424 of the CLPB protein (p.Ile424Thr). This variant is present in population databases (rs753071939, gnomAD 0.002%). This variant has not been reported in the literature in individuals affected with CLPB-related conditions. ClinVar contains an entry for this variant (Variation ID: 2828970). An algorithm developed to predict the effect of missense changes on protein structure and function (PolyPhen-2) suggests that this variant is likely to be disruptive. In summary, the available evidence is currently insufficient to determine the role of this variant in disease. Therefore, it has been classified as a Variant of Uncertain Significance.

NM_001258392.3(CLPB):c.1181T>C (p.Ile394Thr)

Genes: CLPB (ClpB family mitochondrial disaggregase; minus strand), LOC126861258 (MED14-independent group 3 enhancer GRCh37_chr11:72012242-72013441; plus strand). Cytogenetic location: 11q13.4.
Variant type: single nucleotide variant.
Coding change: c.1181T>C on transcript NM_001258392.3 (MANE Select); coding-DNA position 1181, T replaced by C.
Protein change: p.Ile394Thr; replaces isoleucine 394 with threonine.
Molecular consequence: missense variant.
Genome position (GRCh38, 1-based): chr11:72,301,951, A>G on the plus strand (T>C on the coding strand, the complement: CLPB is on the minus strand). VCF-style: chr11-72301951-A-G. GRCh37 (hg19) VCF-style: chr11-72012995-A-G.
Other names: c.1094T>C, p.Ile365Thr (NM_001258393.3); c.1136T>C, p.Ile379Thr (NM_001258394.3); c.1271T>C, p.Ile424Thr (NM_030813.6); short protein forms I394T, I365T, I379T, I424T.
Identifiers: ClinVar variation 2828970 (VCV002828970.3), dbSNP rs753071939, ClinGen allele CA6171236.